The following is an entry in ClinVar:

NM_001042492.3(NF1):c.7514C>T (p.Ala2505Val)

Gene: NF1 (neurofibromin 1; plus strand). Cytogenetic location: 17q11.2.
Variant type: single nucleotide variant.
Coding change: c.7514C>T on transcript NM_001042492.3 (MANE Select); coding-DNA position 7514, C replaced by T.
Protein change: p.Ala2505Val; replaces alanine 2505 with valine.
Molecular consequence: missense variant.
Genome position (GRCh38, 1-based): chr17:31,352,313, C>T. VCF-style: chr17-31352313-C-T. GRCh37 (hg19) VCF-style: chr17-29679331-C-T.
Other names: c.7451C>T, p.Ala2484Val (NM_000267.4); short protein forms A2505V, A2484V.
Identifiers: ClinVar variation 577228 (VCV000577228.5), dbSNP rs1567625126, ClinGen allele CA399017551.

ClinVar aggregate classification (germline): Uncertain significance (1 of 4 stars; one submission).

Conditions:
Neurofibromatosis, type 1 (NF1). Also called: Peripheral type neurofibromatosis; Neurofibromatosis, type I; VON RECKLINGHAUSEN DISEASE; NEUROFIBROMATOSIS, TYPE I, SOMATIC. Identifiers: Orphanet 636, MedGen C0027831, MONDO:0018975, OMIM 162200. Disease mechanism: loss of function.

Submission:

Labcorp Genetics (formerly Invitae), Labcorp
Classification: Uncertain significance for Neurofibromatosis, type 1. Last evaluated: 2018-05-07. Review status: criteria provided, single submitter. Criteria: Invitae Variant Classification Sherloc (09022015). Collection method: clinical testing. Allele origin: germline.
Comment: In summary, the available evidence is currently insufficient to determine the role of this variant in disease. Therefore, it has been classified as a Variant of Uncertain Significance. Algorithms developed to predict the effect of missense changes on protein structure and function (SIFT, PolyPhen-2, Align-GVGD) all suggest that this variant is likely to be tolerated, but these predictions have not been confirmed by published functional studies and their clinical significance is uncertain. This variant has not been reported in the literature in individuals with NF1-related disease. This variant is not present in population databases (ExAC no frequency). This sequence change replaces alanine with valine at codon 2484 of the NF1 protein (p.Ala2484Val). The alanine residue is moderately conserved and there is a small physicochemical difference between alanine and valine.